The following is an entry in ClinVar:

NM_015443.4(KANSL1):c.930del (p.Lys311fs)

Gene: KANSL1 (KAT8 regulatory NSL complex subunit 1). Cytogenetic location: 17q21.31.
Variant type: Deletion.
Coding change: c.930del on transcript NM_015443.4 (MANE Select); coding-DNA position 930, one base deleted.
Protein change: p.Lys311fs; shifts the reading frame from lysine 311.
Molecular consequence: frameshift variant.
Genome position: GRCh38 VCF-style: chr17-46171213-TG-T. GRCh37 (hg19) VCF-style: chr17-44248579-TG-T.
Other names: c.930del, p.Lys311fs (NM_001193465.2, NM_001193466.2, NM_001379198.1); short protein forms K311fs.
Identifiers: ClinVar variation 817861 (VCV000817861.1), dbSNP rs1597871799, ClinGen allele CA915950162.

ClinVar aggregate classification (germline): Likely pathogenic (1 of 4 stars; one submission).

Submission:

GeneDx
Classification: Likely pathogenic. Last evaluated: 2018-10-15. Review status: criteria provided, single submitter. Criteria: GeneDx Variant Classification (06012015). Collection method: clinical testing. Allele origin: germline. Affected: yes.
Comment: The c.930delC variant in the KANSL1 gene has not been reported previously as a pathogenic variant nor as a benign variant, to our knowledge. The c.930delC variant causes a frameshift starting with codon Lysine 311, changes this amino acid to a Serine residue, and creates a premature Stop codon at position 19 of the new reading frame, denoted p.Lys311SerfsX19. This variant is predicted to cause loss of normal protein function either through protein truncation or nonsense-mediated mRNA decay. The c.930delC variant is not observed in large population cohorts (Lek et al., 2016). We interpret c.930delC as a likely pathogenic variant.